The following is an entry in ClinVar:

NM_001367721.1(CASK):c.396C>A (p.Cys132Ter)

Gene: CASK (calcium/calmodulin dependent serine protein kinase; minus strand). Cytogenetic location: Xp11.4.
Variant type: single nucleotide variant.
Coding change: c.396C>A on transcript NM_001367721.1 (MANE Select); coding-DNA position 396, C replaced by A.
Protein change: p.Cys132Ter; replaces cysteine 132 with a stop codon.
Molecular consequence: nonsense.
Genome position (GRCh38, 1-based): chrX:41,739,417, G>T on the plus strand (C>A on the coding strand, the complement: CASK is on the minus strand). VCF-style: chrX-41739417-G-T. GRCh37 (hg19) VCF-style: chrX-41598670-G-T.
Other names: c.396C>A, p.Cys132Ter (NM_001126054.3, NM_001126055.3, NM_001410745.1 and 1 more transcripts); short protein forms C132*.
Identifiers: ClinVar variation 4759222 (VCV004759222.1).

ClinVar aggregate classification (germline): Likely pathogenic (1 of 4 stars; one submission).

Conditions:
Syndromic X-linked intellectual disability Najm type (MICPCH). Also called: MICPCH SYNDROME; Intellectual developmental disorder and microcephaly with pontine and cerebellar hypoplasia; Intellectual Disability and Microcephaly with Pontine and Cerebellar Hypoplasia; Mental retardation and microcephaly with pontine and cerebellar hypoplasia; MENTAL RETARDATION, X-LINKED, SYNDROMIC, NAJM TYPE; Intellectual Disability and Microcephaly with Pontine and Cerebellar Hypoplasia (MICPCH). Identifiers: Orphanet 163937, MedGen C2677903, MONDO:0010417, OMIM 300749.

Submission:

Ozbek Human Genetics Laboratory, Izmir Biomedicine and Genome Center
Classification: Likely pathogenic for Syndromic X-linked intellectual disability Najm type. Last evaluated: 2025-10-16. Review status: criteria provided, single submitter. Criteria: ACMG Guidelines, 2015. Collection method: research. Allele origin: de novo. Inheritance: X-linked inheritance. Affected: yes. Observed: 1 heterozygote.
Comment: The clinical picture included profound neurodevelopmental delay—marked by absent speech and inability to sit supported—alongside spasticity and bilateral joint contractures. Dysmorphic features included hypertelorism, high palate, and micrognathia, while MRI revealed severe cerebellar hypoplasia. Whole exome sequencing identified a novel, de novo heterozygous CASK nonsense variant (c.396C>A; p.Cys132*), classified as likely pathogenic (PVS1, PM2) and consistent with MICPCH. Data obtained via the RAREBOOST project (Horizon 2020 ERA Chairs at Izmir Biomedicine and Genome Center - IBG)